The following is an entry in ClinVar:

NM_001080516.2(GRXCR2):c.726_*2del (p.Pro242_Ter249delinsXaa)

Gene: GRXCR2 (glutaredoxin and cysteine rich domain containing 2; minus strand). Cytogenetic location: 5q32.
Variant type: Deletion.
Coding change: c.726_*2del on transcript NM_001080516.2 (MANE Select); coding-DNA position 726 through 2 bases downstream of the stop codon, 24 bases deleted (TTGCCAGATTTGCAATCAATAGCC).
Protein change: p.Pro242_Ter249delinsXaa.
Molecular consequence: stop lost.
Genome position (GRCh38, 1-based): chr5:145,859,731-145,859,754, GGCTATTGATTGCAAATCTGGCAA deleted on the plus strand (TTGCCAGATTTGCAATCAATAGCC on the coding strand, the reverse complement: GRXCR2 is on the minus strand); deleting any 24 consecutive bases within chr5:145,859,731-145,859,758 gives the same sequence; the c. name uses the placement nearest the transcript's 3' end. VCF-style (leftmost placement, unchanged base first): chr5-145859730-GGGCTATTGATTGCAAATCTGGCAA-G. GRCh37 (hg19) VCF-style: chr5-145239293-GGGCTATTGATTGCAAATCTGGCAA-G.
Identifiers: ClinVar variation 1365045 (VCV001365045.5), dbSNP rs772716837, ClinGen allele CA3487913.

ClinVar aggregate classification (germline): Uncertain significance (1 of 4 stars; one submission).

Submission:

Labcorp Genetics (formerly Invitae), Labcorp
Classification: Uncertain significance. Last evaluated: 2021-04-17. Review status: criteria provided, single submitter. Criteria: Invitae Variant Classification Sherloc (09022015). Collection method: clinical testing. Allele origin: germline.
Comment: This sequence change creates a premature translational stop signal (p.Pro242_249del) in the GRXCR2 gene. While this is not anticipated to result in nonsense mediated decay, it is expected to disrupt the last 7 amino acid(s) of the GRXCR2 protein. This variant is present in population databases (rs772716837, ExAC 0.009%). This variant has not been reported in the literature in individuals with GRXCR2-related conditions. In summary, the available evidence is currently insufficient to determine the role of this variant in disease. Therefore, it has been classified as a Variant of Uncertain Significance.